The following is an entry in ClinVar:

NM_001127222.2(CACNA1A):c.4447C>T (p.Arg1483Cys)

Gene: CACNA1A (calcium voltage-gated channel subunit alpha1 A; minus strand). Cytogenetic location: 19p13.13.
Variant type: single nucleotide variant.
Coding change: c.4447C>T on transcript NM_001127222.2 (MANE Select); coding-DNA position 4447, C replaced by T.
Protein change: p.Arg1483Cys; replaces arginine 1483 with cysteine.
Molecular consequence: missense variant.
Genome position (GRCh38, 1-based): chr19:13,257,493, G>A on the plus strand (C>T on the coding strand, the complement: CACNA1A is on the minus strand). VCF-style: chr19-13257493-G-A. GRCh37 (hg19) VCF-style: chr19-13368307-G-A.
Other names: c.4459C>T, p.Arg1487Cys (NM_000068.4, NM_023035.3); c.4450C>T, p.Arg1484Cys (NM_001127221.2, NM_001174080.2); short protein forms R1483C, R1484C, R1487C.
Identifiers: ClinVar variation 1505755 (VCV001505755.8), dbSNP rs2144748587, ClinGen allele CA404339048.

ClinVar aggregate classification (germline): Uncertain significance (1 of 4 stars; one submission).

Conditions:
Episodic ataxia type 2 (EA2). Also called: ATAXIA, EPISODIC, WITH NYSTAGMUS; ATAXIA, FAMILIAL PAROXYSMAL; CEREBELLAR ATAXIA, PAROXYSMAL, ACETAZOLAMIDE-RESPONSIVE; CEREBELLOPATHY, HEREDITARY PAROXYSMAL; ACETAZOLAMIDE-RESPONSIVE HEREDITARY PAROXYSMAL CEREBELLAR ATAXIA; EPISODIC ATAXIA, NYSTAGMUS-ASSOCIATED. Identifiers: Orphanet 97, MedGen C1720416, MONDO:0007163, OMIM 108500.
Developmental and epileptic encephalopathy, 42 (DEE42A). Also called: DEVELOPMENTAL AND EPILEPTIC ENCEPHALOPATHY 42A; EPILEPTIC ENCEPHALOPATHY, EARLY INFANTILE, 42A; Epileptic encephalopathy, early infantile, 42. Identifiers: MedGen C4310716, MONDO:0014917, OMIM 617106.

Submission:

Labcorp Genetics (formerly Invitae), Labcorp
Classification: Uncertain significance for Developmental and epileptic encephalopathy, 42; Episodic ataxia type 2. Last evaluated: 2021-01-30. Review status: criteria provided, single submitter. Criteria: Invitae Variant Classification Sherloc (09022015). Collection method: clinical testing. Allele origin: germline.
Comment: In summary, the available evidence is currently insufficient to determine the role of this variant in disease. Therefore, it has been classified as a Variant of Uncertain Significance. Advanced modeling of protein sequence and biophysical properties (such as structural, functional, and spatial information, amino acid conservation, physicochemical variation, residue mobility, and thermodynamic stability) performed at Invitae indicates that this missense variant is expected to disrupt CACNA1A protein function. This variant has not been reported in the literature in individuals with CACNA1A-related conditions. This variant is not present in population databases (ExAC no frequency). This sequence change replaces arginine with cysteine at codon 1484 of the CACNA1A protein (p.Arg1484Cys). The arginine residue is highly conserved and there is a large physicochemical difference between arginine and cysteine.